The following continues an entry in ClinVar:

NM_000782.5(CYP24A1):c.1186C>T (p.Arg396Trp)

Gene: CYP24A1. ClinVar aggregate classification (germline): Pathogenic/Likely pathogenic. Pathogenic (23); Likely pathogenic (1).

Submissions 10 to 27 of 27:

Ambry Genetics
Classification: Pathogenic for Inborn genetic diseases. Last evaluated: 2025-03-05. Review status: criteria provided, single submitter. Criteria: Ambry Variant Classification Scheme 2023. Collection method: clinical testing. Allele origin: germline.
Comment: The c.1186C>T (p.R396W) alteration is located in exon 9 (coding exon 9) of the CYP24A1 gene. This alteration results from a C to T substitution at nucleotide position 1186, causing the arginine (R) at amino acid position 396 to be replaced by a tryptophan (W). Based on data from gnomAD, the T allele has an overall frequency of 0.07% (199/282630) total alleles studied. The highest observed frequency was 0.148% (37/24972) of European (Finnish) alleles. This variant has been identified in the homozygous state and in conjunction with other CYP24A1 variants in individuals with features consistent with CYP24A1-related infantile hypercalcemia; in at least one instance, the variants were identified in trans (Leszczynska, 2024; Collins, 2023; Brancatella, 2022; Brunerova, 2022; Hanna, 2021; De Bonis, 2021; Pronicka, 2017; Gigante, 2016; Shah, 2015; Fencl, 2013; Schlingmann, 2011). This amino acid position is highly conserved in available vertebrate species. This alteration is predicted to be deleterious by in silico analysis. Based on the available evidence, this alteration is classified as pathogenic.

Genomic Medicine Center of Excellence, King Faisal Specialist Hospital and Research Centre
Classification: Pathogenic for Hypercalcemia, infantile, 1. Last evaluated: 2024-12-19. Review status: criteria provided, single submitter. Criteria: ACMG Guidelines, 2015. Collection method: clinical testing. Allele origin: germline.

Blueprint Genetics
Classification: Pathogenic for CYP24A1-related disorders. Last evaluated: 2024-10-29. Review status: criteria provided, single submitter. Criteria: ACMG Guidelines, 2015. Collection method: clinical testing. Allele origin: germline. Affected: yes. Observed: 5 variant alleles.

Fulgent Genetics
Classification: Pathogenic for Hypercalcemia, infantile, 1. Last evaluated: 2024-05-20. Review status: criteria provided, single submitter. Criteria: ACMG Guidelines, 2015. Collection method: clinical testing. Allele origin: germline.

Greenwood Genetic Center Diagnostic Laboratories, Greenwood Genetic Center
Classification: Pathogenic for Hypercalcemia, infantile, 1. Last evaluated: 2024-03-20. Review status: criteria provided, single submitter. Criteria: ACMG Guidelines, 2015. Collection method: clinical testing. Allele origin: germline. Affected: yes.
Comment: PS3, PM3_Strong, PM5, PP3

Molecular Genetics, Royal Melbourne Hospital
Classification: Pathogenic for Hypercalcemia, infantile, 1. Last evaluated: 2024-01-05. Review status: criteria provided, single submitter. Criteria: ACMG Guidelines, 2015. Collection method: clinical testing. Allele origin: germline. Inheritance: Autosomal recessive inheritance. Affected: yes.
Comment: This sequence change in CYP24A1 is predicted to replace arginine with tryptophan at codon 396, p.(Arg396Trp). The arginine residue is highly conserved (100 vertebrates, UCSC). There is a large physicochemical difference between arginine and tryptophan. The highest population minor allele frequency in the population database gnomAD v2.1 is 0.1% (148/129,106 alleles) in the European non-Finnish population. This variant has been reported in multiple individuals with idiopathic infantile hypercalcaemia in the homozygous or compound heterozygous state (PMID: 21675912, 24518185, 23001465, 36703897, 34858904, 37701149). An in vitro functional assay with limited validation demonstrated the variant leads to a complete loss of enzyme activity (PMID: 21675912). A knock-in mouse model for the variant demonstrated a decrease in vitamin D levels and an increase in calcium levels indicating that this variant impacts protein function due to its reduced enzyme activity (PMID: 21675912, 35956396). Computational evidence predicts a deleterious effect for the missense substitution (REVEL = 0.873). Based on the classification scheme RMH Modified ACMG/AMP Guidelines v1.6.1, this variant is classified as PATHOGENIC. Following criteria are met: PM3_VeryStrong, PP3, PS3_Moderate

CeGaT Center for Human Genetics Tuebingen
Classification: Pathogenic. Last evaluated: 2024-01-01. Review status: criteria provided, single submitter. Criteria: CeGaT Center For Human Genetics Tuebingen Variant Classification Criteria Version 2. Collection method: clinical testing. Allele origin: germline. Affected: yes. Observed: 1 variant allele.
Comment: CYP24A1: PM3:Very Strong, PM5, PM2:Supporting

Department of Pathology and Laboratory Medicine, Sinai Health System
Classification: Pathogenic for Hypercalcemia, infantile, 1. Last evaluated: 2023-05-23. Review status: criteria provided, single submitter. Criteria: ACMG Guidelines, 2015. Collection method: research. Allele origin: germline.

Clinical Genetics Laboratory, Skane University Hospital Lund
Classification: Pathogenic. Last evaluated: 2023-02-07. Review status: criteria provided, single submitter. Criteria: ACMG Guidelines, 2015. Collection method: clinical testing. Allele origin: germline. Affected: yes.

Institute of Human Genetics Munich, TUM University Hospital
Classification: Likely pathogenic for Hypercalcemia, infantile, 1. Last evaluated: 2022-09-21. Review status: criteria provided, single submitter. Criteria: Classification criteria August 2017. Collection method: clinical testing. Allele origin: germline. Inheritance: Autosomal recessive inheritance. Affected: yes. Observed: 1 variant allele.

Eurofins Ntd Llc (ga)
Classification: Pathogenic. Last evaluated: 2017-12-20. Review status: criteria provided, single submitter. Criteria: EGL Classification Definitions 2015. Collection method: clinical testing. Allele origin: germline. Observed: 3 variant alleles, 3 heterozygotes.

Illumina Laboratory Services, Illumina
Classification: Pathogenic for Hypercalcemia, infantile, 1. Last evaluated: 2017-10-20. Review status: criteria provided, single submitter. Criteria: ICSL Variant Classification Criteria 09 May 2019. Collection method: clinical testing. Allele origin: germline.
Comment: The CYP24A1 c.1186C>T (p.Arg396Trp) variant has been reported in seven studies and identified in a total of ten individuals with infantile hypercalcemia including three homozygotes and seven compound heterozygotes, two of which are siblings (Schlingmann et al. 2011; Fencl et al. 2013; Skalova et al. 2013; Dinour et al. 2015; Cools et al. 2015; Shah et al. 2015; Figueres et al. 2015). The p.Arg396Trp variant was identified in four of 1024 control alleles and is reported at a frequency of 0.001482 in the European (Finnish) population of the Genome Aggregation Database. Schlingmann et al. (2011) performed functional studies using transiently transfected V79-4 cells and observed a complete loss of enzyme activity in cells with the variant protein as compared to wild type. Based on the collective evidence, the p.Arg396Trp variant is classified as pathogenic for infantile hypercalcemia. This variant was observed by ICSL as part of a predisposition screen in an ostensibly healthy population.

Centre for Mendelian Genomics, University Medical Centre Ljubljana
Classification: Pathogenic for Muscle spasm. Last evaluated: 2015-07-01. Review status: criteria provided, single submitter. Criteria: ACMG Guidelines, 2015. Collection method: clinical testing. Allele origin: unknown. Affected: yes.

Molecular Diagnostics Lab, Nemours Children's Health, Delaware
Classification: Pathogenic. Last evaluated: 2014-10-17. Review status: criteria provided, single submitter. Criteria: ACMG Guidelines, 2015. Collection method: clinical testing. Allele origin: unknown, biparental. Affected: yes. Observed: 5 variant alleles, 1 homozygote. Clinical features observed: disorder of calcium metabolism, nephrocalcinosis.

Juno Genomics, Hangzhou Juno Genomics, Inc
Classification: Pathogenic for Hypercalcemia, infantile, 1. Review status: criteria provided, single submitter. Criteria: ACMG Guidelines, 2015. Collection method: clinical testing. Allele origin: germline.
Comment: Absent from controls (or at extremely low frequency if recessive) in Genome Aggregation Database.;Multiple lines of computational evidence support a deleterious effect on the gene or gene product.;For recessive disorders, detected in trans with a pathogenic variant.

Molecular Genetics Laboratory, Biobizkaia Health Research Institute
Classification: Pathogenic for Hypercalcemia, infantile, 1. Last evaluated: 2024-03-08. Review status: no assertion criteria provided. Collection method: clinical testing. Allele origin: maternal. Affected: yes. Not counted in ClinVar's aggregate classification.

Division of Human Genetics, Children's Hospital of Philadelphia
Classification: Pathogenic for Hypercalcemia, infantile. Last evaluated: 2015-05-05. Review status: no assertion criteria provided. Collection method: research. Allele origin: germline. Affected: no. Study: CSER-PediSeq. Not counted in ClinVar's aggregate classification.
Comment: The CYP24A1 variant (c.1186C>T) was identified in several patients in both the homozygous and compound heterozygous state (Schlingmann et al. 2011, PMID: 21675912; Fencl et al. 2013, PMID: 23001465; Wolf et al. 2014, PMID: 24518185). Functional studies of this variant showed an inability of the protein to metabolize 1,25-dihydroxyvitamin D3 (Schlingmann et al. 2011, PMID: 21675912).

OMIM
Classification: Pathogenic for HYPERCALCEMIA, INFANTILE, 1. Last evaluated: 2011-11-03. Review status: no assertion criteria provided. Collection method: literature only. Allele origin: germline. Not counted in ClinVar's aggregate classification.

Literature cited by the submitters: PubMed 21675912 (cited by 11 submitters); PubMed 23001465 (cited by 8 submitters); PubMed 23485543 (cited by 3 submitters); PubMed 25446019 (cited by 4 submitters); PubMed 27394135 (cited by 4 submitters); PubMed 27798933 (cited by 3 submitters); PubMed 28470390 (cited by 3 submitters); PubMed 22047571 (cited by 3 submitters); PubMed 24518185 (cited by 3 submitters); PubMed 25194629 (cited by Rare Kidney Stone Consortium and the Mayo Clinic Hyperoxaluria Center, Mayo Clinic and Illumina Laboratory Services, Illumina); PubMed 26097993 (cited by 3 submitters); PubMed 26117226 (cited by Rare Kidney Stone Consortium and the Mayo Clinic Hyperoxaluria Center, Mayo Clinic and Illumina Laboratory Services, Illumina); PubMed 26585929 (cited by Rare Kidney Stone Consortium and the Mayo Clinic Hyperoxaluria Center, Mayo Clinic); PubMed 28324001 (cited by Rare Kidney Stone Consortium and the Mayo Clinic Hyperoxaluria Center, Mayo Clinic); PubMed 29786188 (cited by Rare Kidney Stone Consortium and the Mayo Clinic Hyperoxaluria Center, Mayo Clinic); PubMed 30729229 (cited by Rare Kidney Stone Consortium and the Mayo Clinic Hyperoxaluria Center, Mayo Clinic); PubMed 31589614 (cited by Rare Kidney Stone Consortium and the Mayo Clinic Hyperoxaluria Center, Mayo Clinic); PubMed 31672324 (cited by Rare Kidney Stone Consortium and the Mayo Clinic Hyperoxaluria Center, Mayo Clinic); PubMed 31751313 (cited by Rare Kidney Stone Consortium and the Mayo Clinic Hyperoxaluria Center, Mayo Clinic); PubMed 31980526 (cited by Rare Kidney Stone Consortium and the Mayo Clinic Hyperoxaluria Center, Mayo Clinic); PubMed 32743688 (cited by Rare Kidney Stone Consortium and the Mayo Clinic Hyperoxaluria Center, Mayo Clinic); PubMed 33099630 (cited by Rare Kidney Stone Consortium and the Mayo Clinic Hyperoxaluria Center, Mayo Clinic); PubMed 33186763 (cited by Rare Kidney Stone Consortium and the Mayo Clinic Hyperoxaluria Center, Mayo Clinic); PubMed 33226606 (cited by Rare Kidney Stone Consortium and the Mayo Clinic Hyperoxaluria Center, Mayo Clinic); PubMed 33502802 (cited by Rare Kidney Stone Consortium and the Mayo Clinic Hyperoxaluria Center, Mayo Clinic); PubMed 33726816 (cited by Rare Kidney Stone Consortium and the Mayo Clinic Hyperoxaluria Center, Mayo Clinic); PubMed 34307984 (cited by Rare Kidney Stone Consortium and the Mayo Clinic Hyperoxaluria Center, Mayo Clinic and Ambry Genetics); PubMed 34320495 (cited by Rare Kidney Stone Consortium and the Mayo Clinic Hyperoxaluria Center, Mayo Clinic); PubMed 34337279 (cited by Rare Kidney Stone Consortium and the Mayo Clinic Hyperoxaluria Center, Mayo Clinic); PubMed 34426522 (cited by Rare Kidney Stone Consortium and the Mayo Clinic Hyperoxaluria Center, Mayo Clinic); PubMed 34515170 (cited by Rare Kidney Stone Consortium and the Mayo Clinic Hyperoxaluria Center, Mayo Clinic); PubMed 34805638 (cited by Rare Kidney Stone Consortium and the Mayo Clinic Hyperoxaluria Center, Mayo Clinic); PubMed 35325889 (cited by Rare Kidney Stone Consortium and the Mayo Clinic Hyperoxaluria Center, Mayo Clinic); PubMed 35569070 (cited by Rare Kidney Stone Consortium and the Mayo Clinic Hyperoxaluria Center, Mayo Clinic and Ambry Genetics); PubMed 36703897 (cited by 3 submitters); PubMed 37701149 (cited by 3 submitters); PubMed 38586466 (cited by Rare Kidney Stone Consortium and the Mayo Clinic Hyperoxaluria Center, Mayo Clinic); PubMed 38665259 (cited by Rare Kidney Stone Consortium and the Mayo Clinic Hyperoxaluria Center, Mayo Clinic and Ambry Genetics); PubMed 40794449 (cited by Rare Kidney Stone Consortium and the Mayo Clinic Hyperoxaluria Center, Mayo Clinic); PubMed 33864587 (cited by Ambry Genetics); PubMed 34858904 (cited by Molecular Genetics, Royal Melbourne Hospital); PubMed 35956396 (cited by Molecular Genetics, Royal Melbourne Hospital); PubMed 3490596 (cited by OMIM).